The following is an entry in ClinVar:

NM_000038.6(APC):c.8353A>C (p.Asn2785His)

Gene: APC (APC regulator of Wnt signaling pathway; plus strand). Cytogenetic location: 5q22.2.
Variant type: single nucleotide variant.
Coding change: c.8353A>C on transcript NM_000038.6 (MANE Select); coding-DNA position 8353, A replaced by C.
Protein change: p.Asn2785His; replaces asparagine 2785 with histidine.
Molecular consequence: missense variant.
Genome position (GRCh38, 1-based): chr5:112,843,947, A>C. VCF-style: chr5-112843947-A-C. GRCh37 (hg19) VCF-style: chr5-112179644-A-C.
Other names: c.8353A>C, p.Asn2785His (NM_001127510.3, NM_001354895.2); c.8299A>C, p.Asn2767His (NM_001127511.3); c.8407A>C, p.Asn2803His (NM_001354896.2); c.8383A>C, p.Asn2795His (NM_001354897.2); c.8278A>C, p.Asn2760His (NM_001354898.2); c.8269A>C, p.Asn2757His (NM_001354899.2); c.8230A>C, p.Asn2744His (NM_001354900.2); c.8176A>C, p.Asn2726His (NM_001354901.2); and 5 more; short protein forms N2767H, N2785H, N2502H, N2659H, N2625H, N2694H, N2760H, N2795H.
Identifiers: ClinVar variation 411435 (VCV000411435.20), dbSNP rs769736863, ClinGen allele CA050563.

ClinVar aggregate classification (germline): Conflicting classifications of pathogenicity. Review status: criteria provided, conflicting classifications (1 of 4 stars). 6 submissions from 6 submitters: Uncertain significance (5); Likely benign (1). Last evaluated 2025-09-10.

Conditions:
Familial adenomatous polyposis 1 (FAP1). Also called: FAMILIAL ADENOMATOUS POLYPOSIS 1, ATTENUATED; POLYPOSIS, ADENOMATOUS INTESTINAL. Identifiers: MedGen C2713442, MONDO:0021056, OMIM 175100. Disease mechanism: loss of function.
Hereditary cancer-predisposing syndrome. Also called: Tumor predisposition; Hereditary Cancer Syndrome; Hereditary neoplastic syndrome; Neoplastic Syndromes, Hereditary. Identifiers: Orphanet 140162, MedGen C0027672, MeSH D009386, MONDO:0015356.

Allele frequency attached by ClinVar (database versions not stated): gnomAD exomes below 0.00001 and 0.00001; ExAC 0.00001; gnomAD 0.00002; TOPMed 0.00003.
gnomAD v4.1: 6 of 1,609,870 alleles (0.00037%); highest among the groups gnomAD compares: East Asian, 0.013%; no homozygotes.

Submissions (6):

Labcorp Genetics (formerly Invitae), Labcorp
Classification: Uncertain significance for Familial adenomatous polyposis 1. Last evaluated: 2025-09-10. Review status: criteria provided, single submitter. Criteria: Invitae Variant Classification Sherloc (09022015). Collection method: clinical testing. Allele origin: germline.
Comment: This sequence change replaces asparagine, which is neutral and polar, with histidine, which is basic and polar, at codon 2785 of the APC protein (p.Asn2785His). This variant is present in population databases (rs769736863, gnomAD 0.03%). This missense change has been observed in individual(s) with breast cancer (PMID: 30093976). ClinVar contains an entry for this variant (Variation ID: 411435). Invitae Evidence Modeling of protein sequence and biophysical properties (such as structural, functional, and spatial information, amino acid conservation, physicochemical variation, residue mobility, and thermodynamic stability) indicates that this missense variant is not expected to disrupt APC protein function with a negative predictive value of 95%. In summary, the available evidence is currently insufficient to determine the role of this variant in disease. Therefore, it has been classified as a Variant of Uncertain Significance.

Baylor Genetics
Classification: Uncertain significance for Familial adenomatous polyposis 1. Last evaluated: 2024-03-18. Review status: criteria provided, single submitter. Criteria: ACMG Guidelines, 2015. Collection method: clinical testing. Allele origin: unknown.

Quest Diagnostics Nichols Institute San Juan Capistrano
Classification: Uncertain significance. Last evaluated: 2024-01-09. Review status: criteria provided, single submitter. Criteria: Quest Diagnostics criteria. Collection method: clinical testing. Allele origin: unknown.
Comment: The APC c.8353A>C (p.Asn2785His) variant has been reported in the published literature in an individual affected with breast cancer (PMID: 30093976 (2018)). The frequency of this variant in the general population, 0.0003 (6/19910 chromosomes in East Asian subpopulation (Genome Aggregation Database)), is higher than would generally be expected for pathogenic variants in this gene. Analysis of this variant using bioinformatics tools for the prediction of the effect of amino acid changes on protein structure and function yielded predictions that this variant is damaging. Based on the available information, we are unable to determine the clinical significance of this variant.

Sema4
Classification: Uncertain significance for Hereditary cancer-predisposing syndrome. Last evaluated: 2021-09-29. Review status: criteria provided, single submitter. Criteria: Sema4 Curation Guidelines. Collection method: curation. Allele origin: germline.
Comment: The APC c.8353A>C (p.N2785H) variant has been reported in at least one individual with breast cancer (PMID: 30093976 ). It was observed in 6/19910 chromosomes of the East Asian subpopulation in the large and broad cohorts of the Genome Aggregation Database (PMID: 32461654). The variant has been reported in ClinVar (Variation ID 411435). Functional studies have not been performed, and in silico predictions of the variant's effect on protein function are inconclusive. The evidence is insufficient to meet ACMG/AMP criteria for classifying the variant as benign or pathogenic. Thus, the clinical significance of this variant is currently uncertain.

Ambry Genetics
Classification: Likely benign for Hereditary cancer-predisposing syndrome. Last evaluated: 2021-07-26. Review status: criteria provided, single submitter. Criteria: Ambry Variant Classification Scheme 2023. Collection method: clinical testing. Allele origin: germline.

Color Diagnostics, LLC DBA Color Health
Classification: Uncertain significance for Hereditary cancer-predisposing syndrome. Last evaluated: 2019-10-21. Review status: criteria provided, single submitter. Criteria: ACMG Guidelines, 2015. Collection method: clinical testing. Allele origin: germline.
Comment: This missense variant replaces asparagine with histidine at codon 2785 of the APC protein. Computational prediction is inconclusive regarding the impact of this variant on protein structure and function (internally defined REVEL score threshold 0.5 < inconclusive < 0.7, PMID: 27666373). Splice site prediction tools suggest that this variant may not impact RNA splicing. To our knowledge, functional studies have not been performed for this variant. This variant has not been reported in individuals affected with hereditary cancer in the literature. This variant has been identified in 6/279232 chromosomes in the general population by the Genome Aggregation Database (gnomAD). The available evidence is insufficient to determine the role of this variant in disease conclusively. Therefore, this variant is classified as a Variant of Uncertain Significance.

Literature cited by the submitters: PubMed 30093976 (cited by 4 submitters).